The following is an entry in ClinVar:

NM_001374736.1(DST):c.12490G>A (p.Ala4164Thr)

Genes: DST (dystonin; minus strand), LOC129996656 (ATAC-STARR-seq lymphoblastoid active region 24702; plus strand). Cytogenetic location: 6p12.1.
Variant type: single nucleotide variant.
Coding change: c.12490G>A on transcript NM_001374736.1 (MANE Select); coding-DNA position 12490, G replaced by A.
Protein change: p.Ala4164Thr; replaces alanine 4164 with threonine.
Molecular consequence: missense variant.
Genome position (GRCh38, 1-based): chr6:56,593,899, C>T on the plus strand (G>A on the coding strand, the complement: DST is on the minus strand). VCF-style: chr6-56593899-C-T. GRCh37 (hg19) VCF-style: chr6-56458697-C-T.
Other names: c.6133G>A, p.Ala2045Thr (NM_001144769.5); c.5719G>A, p.Ala1907Thr (NM_001144770.2); c.12490G>A, p.Ala4164Thr (NM_001374722.1); c.11857G>A, p.Ala3953Thr (NM_001374729.1); c.5599G>A, p.Ala1867Thr (NM_001374730.1, NM_001386100.1, NM_183380.4); c.12517G>A, p.Ala4173Thr (NM_001374734.1); c.4621G>A, p.Ala1541Thr (NM_015548.5); short protein forms A1541T, A2045T, A4164T, A3953T, A4173T, A1867T, A1907T.
Identifiers: ClinVar variation 2019550 (VCV002019550.4), dbSNP rs2152688693, ClinGen allele CA364525965.

ClinVar aggregate classification (germline): Uncertain significance (1 of 4 stars; one submission).

Conditions:
Epidermolysis bullosa simplex 3, localized or generalized intermediate, with BP230 deficiency (EBS3). Also called: Epidermolysis bullosa simplex, autosomal recessive 2; Epidermolysis bullosa simplex due to BP230 deficiency. Identifiers: Orphanet 412181, MedGen C3809470, MONDO:0014180, OMIM 615425.
Hereditary sensory and autonomic neuropathy type 6. Also called: Neuropathy, hereditary sensory and autonomic, type VI; HSAN VI. Identifiers: Orphanet 314381, MedGen C3539003, MONDO:0013839, OMIM 614653.

Allele frequency attached by ClinVar (database versions not stated): gnomAD exomes below 0.00001.
gnomAD v4.1: 1 of 1,613,890 alleles (0.000062%); highest among the groups gnomAD compares: Non-Finnish European, 0.000085%; no homozygotes.

Submission:

Labcorp Genetics (formerly Invitae), Labcorp
Classification: Uncertain significance for Epidermolysis bullosa simplex 3, localized or generalized intermediate, with BP230 deficiency; Hereditary sensory and autonomic neuropathy type 6. Last evaluated: 2022-07-25. Review status: criteria provided, single submitter. Criteria: Invitae Variant Classification Sherloc (09022015). Collection method: clinical testing. Allele origin: germline.
Comment: In summary, the available evidence is currently insufficient to determine the role of this variant in disease. Therefore, it has been classified as a Variant of Uncertain Significance. Experimental studies and prediction algorithms are not available or were not evaluated, and the functional significance of this variant is currently unknown. This variant has not been reported in the literature in individuals affected with DST-related conditions. This variant is not present in population databases (gnomAD no frequency). This sequence change replaces alanine, which is neutral and non-polar, with threonine, which is neutral and polar, at codon 1541 of the DST protein (p.Ala1541Thr). The DST gene has multiple clinically relevant transcripts. This variant occurs in alternate transcript NM_015548.4, and corresponds to NM_001723.5:c.*21618G>A in the primary transcript.